The following is an entry in ClinVar:

NM_000179.3(MSH6):c.628-8C>T

Gene: MSH6 (mutS homolog 6; plus strand). Cytogenetic location: 2p16.3.
Variant type: single nucleotide variant.
Coding change: c.628-8C>T on transcript NM_000179.3 (MANE Select); 8 bases into the intron before coding-DNA position 628, C replaced by T.
Molecular consequence: intron variant.
Genome position (GRCh38, 1-based): chr2:47,798,603, C>T. VCF-style: chr2-47798603-C-T. GRCh37 (hg19) VCF-style: chr2-48025742-C-T.
Other names: c.-279-8C>T (NM_001281493.2); c.238-8C>T (NM_001281492.2); c.-275-12C>T (NM_001281494.2).
Identifiers: ClinVar variation 237212 (VCV000237212.20), dbSNP rs767991179, ClinGen allele CA073263.

ClinVar aggregate classification (germline): Conflicting classifications of pathogenicity. Review status: criteria provided, conflicting classifications (1 of 4 stars). 8 submissions from 8 submitters: Uncertain significance (1); Likely benign (6). 1 of the submissions does not count toward it. Last evaluated 2025-12-17.

Conditions:
Hereditary nonpolyposis colorectal neoplasms. Identifiers: MedGen C0009405, MeSH D003123.
Lynch syndrome 5 (LYNCH5). Also called: Colorectal cancer, hereditary nonpolyposis, type 5; Hereditary non-polyposis colorectal cancer, type 5. Identifiers: Orphanet 144, MedGen C1833477, MONDO:0013710, OMIM 614350. Disease mechanism: loss of function.
Carcinoma of colon (CRC). Also called: Colon carcinoma; Colonic carcinoma. Identifiers: MedGen C0699790, MONDO:0002032.
Hereditary cancer-predisposing syndrome. Also called: Hereditary neoplastic syndrome; Tumor predisposition; Neoplastic Syndromes, Hereditary; Hereditary Cancer Syndrome. Identifiers: Orphanet 140162, MedGen C0027672, MeSH D009386, MONDO:0015356.

Allele frequency attached by ClinVar (database versions not stated): ExAC 0.00003; gnomAD exomes 0.00002.
gnomAD v4.1: 17 of 1,608,252 alleles (0.0011%); highest among the groups gnomAD compares: South Asian, 0.0066%; no homozygotes.

Submissions (8):

Labcorp Genetics (formerly Invitae), Labcorp
Classification: Likely benign for Hereditary nonpolyposis colorectal neoplasms. Last evaluated: 2025-12-17. Review status: criteria provided, single submitter. Criteria: Invitae Variant Classification Sherloc (09022015). Collection method: clinical testing. Allele origin: germline.

Molecular Diagnostics Laboratory, Catalan Institute of Oncology
Classification: Uncertain significance for Hereditary cancer-predisposing syndrome. Last evaluated: 2025-02-03. Review status: criteria provided, single submitter. Criteria: MMR VCEP Paper Draft V3.1. Collection method: clinical testing. Allele origin: germline.
Comment: PM2_Supporting, BP4 MSH6 c.628-8C>T is an intronic variant located close to a canonical splice site.This variant is found in 4/261560 in the gnomAD v2.1.1 database (non-cancer data set) (PM2_Supporting). Computational tools for this variant suggests no significant impact on splicing (BP4). To our knowledge, neither clinical data nor functional studies have not been reported for this variant In addition, the variant has been reported in the ClinVar (5x likely benign, 1x uncertain significance) but has not been identified neither in LOVD nor InSiGHT databases. Based on currently available information, the variant c.628-8C>T is classified as an uncertain significance variant according to ACMG guidelines.

Myriad Genetics, Inc.
Classification: Likely benign for Lynch syndrome 5. Last evaluated: 2024-12-19. Review status: criteria provided, single submitter. Criteria: Myriad Autosomal Dominant, Autosomal Recessive and X-Linked Classification Criteria (2023). Collection method: clinical testing. Allele origin: unknown.
Comment: This variant is considered likely benign. This variant is intronic and is not expected to impact mRNA splicing.

Quest Diagnostics Nichols Institute San Juan Capistrano
Classification: Likely benign. Last evaluated: 2023-09-05. Review status: criteria provided, single submitter. Criteria: Quest Diagnostics criteria. Collection method: clinical testing. Allele origin: unknown.

Sema4
Classification: Likely benign for Hereditary cancer-predisposing syndrome. Last evaluated: 2021-11-23. Review status: criteria provided, single submitter. Criteria: Sema4 Curation Guidelines. Collection method: curation. Allele origin: germline.

Color Diagnostics, LLC DBA Color Health
Classification: Likely benign for Hereditary cancer-predisposing syndrome. Last evaluated: 2019-06-26. Review status: criteria provided, single submitter. Criteria: ACMG Guidelines, 2015. Collection method: clinical testing. Allele origin: germline.

GeneDx
Classification: Likely benign. Last evaluated: 2019-02-21. Review status: criteria provided, single submitter. Criteria: GeneDx Variant Classification Process June 2021. Collection method: clinical testing. Allele origin: germline. Affected: yes.

Department of Pathology and Laboratory Medicine, Sinai Health System
Classification: Uncertain significance for Carcinoma of colon. Review status: no assertion criteria provided. Collection method: clinical testing. Allele origin: unknown. Affected: yes. Study: The Canadian Open Genetics Repository (COGR). Not counted in ClinVar's aggregate classification.
Comment: The MSH6 c.628-8C>T, r.(spl?) variant was not identified in the literature nor was it identified in the GeneInsight-COGR, COSMIC, MutDB, UMD-LSDB, Insight Colon Cancer Gene Variant Database, Zhejiang Colon Cancer Database, Mismatch Repair Genes Variant Database, or Insight Hereditary Tumors Database. The variant was identified in dbSNP (ID: rs767991179) as â€šÃ„ÃºWith Likely benign alleleâ€šÃ„Ã¹, and in ClinVar and Clinvitae databases (2x classified as likely benign by Invitae and GeneDx). The variant was identified in control databases in 4 of 238952 chromosomes at a frequency of 0.00002 in the following populations: South Asian in 3 of 30704 chromosomes (freq. 0.0001); European non-Finnish in 1 of 109948 chromosomes (freq. 0.000009) increasing the likelihood that this may be a low frequency variant in certain populations of origin (Genome Aggregation Consortium Feb 27, 2017). The c.628-8C>T variant is located in the 3' splice region but does not affect the invariant -1 and -2 positions. However, positions -3 and -5 to -12 are part of the splicing consensus sequence and variants involving these positions sometimes affect splicing. However, only 1 of 5 in silico or computational prediction software programs (SpliceSiteFinder, MaxEntScan, NNSPLICE, GeneSplicer, HumanSpliceFinder) predict a difference in splicing. In summary, based on the above information the clinical significance of this variant cannot be determined with certainty at this time. This variant is classified as a variant of uncertain significance.